The following is an entry in ClinVar:

ClinVar aggregate classification (germline): Pathogenic (1 of 4 stars; one submission).

Submission:

Labcorp Genetics (formerly Invitae), Labcorp
Classification: Pathogenic. Last evaluated: 2022-07-16. Review status: criteria provided, single submitter. Criteria: Invitae Variant Classification Sherloc (09022015). Collection method: clinical testing. Allele origin: germline.
Comment: For these reasons, this variant has been classified as Pathogenic. This variant has not been reported in the literature in individuals affected with PEX3-related conditions. This variant is a gross deletion of the genomic region encompassing exon(s) 11 of the PEX3 gene. This deletion is out-of-frame, and is expected to create a premature termination codon and result in an absent or disrupted protein product. Loss-of-function variants in PEX3 are known to be pathogenic (PMID: 10942428, 21031596).

Literature cited by the submitters: PubMed 10942428; PubMed 21031596.

NC_000006.11:g.(?_143806269)_(143806405_?)del

Gene: PEX3 (peroxisomal biogenesis factor 3; plus strand). Cytogenetic location: 6q24.2.
Variant type: Deletion.
Identifiers: ClinVar variation 2424711 (VCV002424711.4).